The following is an entry in ClinVar:

ClinVar aggregate classification (germline): Likely pathogenic (1 of 4 stars; one submission).

Conditions:
Lethal multiple pterygium syndrome (LMPS). Identifiers: Orphanet 33108, MedGen C1854678, MONDO:0009668, OMIM 253290.

gnomAD v4.1: 1 of 1,614,150 alleles (0.000062%); no homozygotes.

Submissions (2):

Labcorp Genetics (formerly Invitae), Labcorp
Classification: Likely pathogenic for Lethal multiple pterygium syndrome. Last evaluated: 2024-03-30. Review status: criteria provided, single submitter. Criteria: Invitae Variant Classification Sherloc (09022015). Collection method: clinical testing. Allele origin: germline.
Comment: This sequence change affects a donor splice site in intron 2 of the CHRNA1 gene. It is expected to disrupt RNA splicing. Variants that disrupt the donor or acceptor splice site typically lead to a loss of protein function (PMID: 16199547), and loss-of-function variants in CHRNA1 are known to be pathogenic (PMID: 14719537, 15907919, 18252226). This variant is present in population databases (no rsID available, gnomAD 0.006%). This variant has not been reported in the literature in individuals affected with CHRNA1-related conditions. Algorithms developed to predict the effect of sequence changes on RNA splicing suggest that this variant may disrupt the consensus splice site. In summary, the currently available evidence indicates that the variant is pathogenic, but additional data are needed to prove that conclusively. Therefore, this variant has been classified as Likely Pathogenic.

Dr. Peter K. Rogan Lab, Western University
No classification provided (evidence only). Condition: Melanoma. Review status: no classification provided. Collection method: in vitro. Allele origin: not applicable. Functional consequence: retained intron. Not counted in ClinVar's aggregate classification.

Literature cited by the submitters: PubMed 16199547 (cited by Labcorp Genetics (formerly Invitae), Labcorp); PubMed 14719537 (cited by Labcorp Genetics (formerly Invitae), Labcorp); PubMed 15907919 (cited by Labcorp Genetics (formerly Invitae), Labcorp); PubMed 18252226 (cited by Labcorp Genetics (formerly Invitae), Labcorp).

NM_000079.4(CHRNA1):c.189+1G>A

Gene: CHRNA1 (cholinergic receptor nicotinic alpha 1 subunit; minus strand). Cytogenetic location: 2q31.1.
Variant type: single nucleotide variant.
Coding change: c.189+1G>A on transcript NM_000079.4 (MANE Select); the canonical splice donor site of the intron after coding-DNA position 189, G replaced by A.
Molecular consequence: splice donor variant.
Genome position (GRCh38, 1-based): chr2:174,759,487, C>T on the plus strand (G>A on the coding strand, the complement: CHRNA1 is on the minus strand). VCF-style: chr2-174759487-C-T. GRCh37 (hg19) VCF-style: chr2-175624215-C-T.
Other names: c.189+1G>A (NM_001039523.3).
Identifiers: ClinVar variation 3676774 (VCV003676774.3).
Genomic context (GRCh38, chr2:174,759,487, plus strand): 5'-GAGGAAACCCAGGGGTGAGAGGTGTGGGTGTGTGGGCAGGCCCCCAGTGCTCTTGTCTCA[C>T]CACATTGATGAGCTGTATCAGCTGCAGGCCCACGGTGACCTCCACGACCTGGCGGTGGTC-3'